The following is an entry in ClinVar:

ClinVar aggregate classification (germline): Uncertain significance (1 of 4 stars; one submission).

gnomAD v4.1: 72 of 1,614,082 alleles (0.0045%); highest among the groups gnomAD compares: East Asian, 0.027%; no homozygotes.

Submission:

Labcorp Genetics (formerly Invitae), Labcorp
Classification: Uncertain significance. Last evaluated: 2024-06-03. Review status: criteria provided, single submitter. Criteria: Invitae Variant Classification Sherloc (09022015). Collection method: clinical testing. Allele origin: germline.
Comment: This sequence change replaces arginine, which is basic and polar, with glutamine, which is neutral and polar, at codon 1142 of the ERBB4 protein (p.Arg1142Gln). This variant is present in population databases (rs3748961, gnomAD 0.003%). This variant has not been reported in the literature in individuals affected with ERBB4-related conditions. An algorithm developed to predict the effect of missense changes on protein structure and function (PolyPhen-2) suggests that this variant is likely to be tolerated. In summary, the available evidence is currently insufficient to determine the role of this variant in disease. Therefore, it has been classified as a Variant of Uncertain Significance.

NM_005235.3(ERBB4):c.3425G>A (p.Arg1142Gln)

Gene: ERBB4 (erb-b2 receptor tyrosine kinase 4; minus strand). Cytogenetic location: 2q34.
Variant type: single nucleotide variant.
Coding change: c.3425G>A on transcript NM_005235.3 (MANE Select); coding-DNA position 3425, G replaced by A.
Protein change: p.Arg1142Gln; replaces arginine 1142 with glutamine.
Molecular consequence: missense variant.
Genome position (GRCh38, 1-based): chr2:211,386,909, C>T on the plus strand (G>A on the coding strand, the complement: ERBB4 is on the minus strand). VCF-style: chr2-211386909-C-T. GRCh37 (hg19) VCF-style: chr2-212251634-C-T.
Other names: c.3377G>A, p.Arg1126Gln (NM_001042599.2); short protein forms R1126Q, R1142Q.
Identifiers: ClinVar variation 3625113 (VCV003625113.2).